The following is an entry in ClinVar:

NM_002485.5(NBN):c.880_886del (p.Met294fs)

Gene: NBN (nibrin; minus strand). Cytogenetic location: 8q21.3.
Variant type: Deletion.
Coding change: c.880_886del on transcript NM_002485.5 (MANE Select); coding-DNA positions 880 to 886, 7 bases deleted (ATGGATA; older notation c.880_886delATGGATA).
Protein change: p.Met294fs; shifts the reading frame from methionine 294.
Molecular consequence: frameshift variant.
Genome position (GRCh38, 1-based): chr8:89,970,374-89,970,380, TATCCAT deleted on the plus strand (ATGGATA on the coding strand, the reverse complement: NBN is on the minus strand); deleting any 7 consecutive bases within chr8:89,970,374-89,970,383 gives the same sequence; the c. name uses the placement nearest the transcript's 3' end. VCF-style (leftmost placement, unchanged base first): chr8-89970373-ATATCCAT-A. GRCh37 (hg19) VCF-style: chr8-90982601-ATATCCAT-A.
Other names: c.634_640del, p.Met212fs (NM_001024688.3); short protein forms M294fs, M212fs.
Identifiers: ClinVar variation 822753 (VCV000822753.4), dbSNP rs1586086338, ClinGen allele CA915945786.

ClinVar aggregate classification (germline): Pathogenic (1 of 4 stars; one submission).

Conditions:
Hereditary cancer-predisposing syndrome. Also called: Tumor predisposition; Hereditary Cancer Syndrome; Neoplastic Syndromes, Hereditary; Hereditary neoplastic syndrome. Identifiers: Orphanet 140162, MedGen C0027672, MeSH D009386, MONDO:0015356.

Submission:

Ambry Genetics
Classification: Pathogenic for Hereditary cancer-predisposing syndrome. Last evaluated: 2019-06-13. Review status: criteria provided, single submitter. Criteria: Ambry Variant Classification Scheme 2023. Collection method: clinical testing. Allele origin: germline.
Comment: The c.880_886delATGGATA pathogenic mutation, located in coding exon 7 of the NBN gene, results from a deletion of 7 nucleotides at nucleotide positions 880 to 886, causing a translational frameshift with a predicted alternate stop codon (p.M294Cfs*19). This alteration is expected to result in loss of function by premature protein truncation or nonsense-mediated mRNA decay. As such, this alteration is interpreted as a disease-causing mutation.